The following is an entry in ClinVar:

NM_001205293.3(CACNA1E):c.5711C>T (p.Pro1904Leu)

Gene: CACNA1E (calcium voltage-gated channel subunit alpha1 E; plus strand). Cytogenetic location: 1q25.3.
Variant type: single nucleotide variant.
Coding change: c.5711C>T on transcript NM_001205293.3 (MANE Select); coding-DNA position 5711, C replaced by T.
Protein change: p.Pro1904Leu; replaces proline 1904 with leucine.
Molecular consequence: missense variant.
Genome position (GRCh38, 1-based): chr1:181,785,744, C>T. VCF-style: chr1-181785744-C-T. GRCh37 (hg19) VCF-style: chr1-181754880-C-T.
Other names: c.5711C>T, p.Pro1904Leu (NM_000721.4); c.5654C>T, p.Pro1885Leu (NM_001205294.2); c.5711C>T (NM_001205293.1, NM_000721.3); short protein forms P1885L, P1904L.
Identifiers: ClinVar variation 1155292 (VCV001155292.35), dbSNP rs191359537, ClinGen allele CA1276181.

ClinVar aggregate classification (germline): Benign/Likely benign. Review status: criteria provided, multiple submitters, no conflicts (2 of 4 stars). 6 submissions from 6 submitters: Benign (1); Likely benign (4). 1 of the submissions does not count toward it. Last evaluated 2026-01-19.

Conditions:
CACNA1E-related disorder. Also called: CACNA1E-related condition.
Developmental and epileptic encephalopathy, 69. Also called: EPILEPTIC ENCEPHALOPATHY, EARLY INFANTILE, 69. Identifiers: MedGen C4748988, MONDO:0032657, OMIM 618285.
Inborn genetic diseases. Identifiers: MedGen C0950123, MeSH D030342.

Allele frequency attached by ClinVar (database versions not stated): gnomAD exomes 0.00007 and 0.00017; ExAC 0.00016; 1000 Genomes Project 0.00060; 1000 Genomes Project 30x 0.00062; gnomAD 0.00063 and 0.00068; TOPMed 0.00077; ESP Exome Variant Server 0.00091.
gnomAD v4.1: 203 of 1,613,350 alleles (0.013%); highest among the groups gnomAD compares: African/African-American, 0.25%; 1 homozygote.

Submissions (6):

Labcorp Genetics (formerly Invitae), Labcorp
Classification: Likely benign. Last evaluated: 2026-01-19. Review status: criteria provided, single submitter. Criteria: Invitae Variant Classification Sherloc (09022015). Collection method: clinical testing. Allele origin: germline.

Ambry Genetics
Classification: Likely benign for Inborn genetic diseases. Last evaluated: 2025-01-08. Review status: criteria provided, single submitter. Criteria: Ambry Variant Classification Scheme 2023. Collection method: clinical testing. Allele origin: germline.

Blueprint Genetics
Classification: Likely benign. Last evaluated: 2024-07-08. Review status: criteria provided, single submitter. Criteria: ACMG Guidelines, 2015. Collection method: clinical testing. Allele origin: germline.

CeGaT Center for Human Genetics Tuebingen
Classification: Benign. Last evaluated: 2023-12-01. Review status: criteria provided, single submitter. Criteria: CeGaT Center For Human Genetics Tuebingen Variant Classification Criteria Version 2. Collection method: clinical testing. Allele origin: germline. Affected: yes. Observed: 2 variant alleles.
Comment: CACNA1E: BS1, BS2

Genome-Nilou Lab
Classification: Likely benign for Developmental and epileptic encephalopathy, 69. Last evaluated: 2023-04-11. Review status: criteria provided, single submitter. Criteria: ACMG Guidelines, 2015. Collection method: clinical testing. Allele origin: germline. Affected: no.

PreventionGenetics, part of Exact Sciences
Classification: Likely benign for CACNA1E-related condition. Last evaluated: 2020-07-27. Review status: no assertion criteria provided. Collection method: clinical testing. Allele origin: germline. Not counted in ClinVar's aggregate classification.
Comment: This variant is classified as likely benign based on ACMG/AMP sequence variant interpretation guidelines (Richards et al. 2015 PMID: 25741868, with internal and published modifications).